The following is an entry in ClinVar:

ClinVar aggregate classification (germline): Pathogenic (1 of 4 stars; one submission).

Allele frequency attached by ClinVar (database versions not stated): TOPMed below 0.00001.

Submission:

Labcorp Genetics (formerly Invitae), Labcorp
Classification: Pathogenic. Last evaluated: 2023-02-14. Review status: criteria provided, single submitter. Criteria: Invitae Variant Classification Sherloc (09022015). Collection method: clinical testing. Allele origin: germline.
Comment: This sequence change creates a premature translational stop signal (p.Arg1849Glufs*26) in the FRAS1 gene. It is expected to result in an absent or disrupted protein product. Loss-of-function variants in FRAS1 are known to be pathogenic (PMID: 12766769, 18671281). This variant is not present in population databases (gnomAD no frequency). This variant has not been reported in the literature in individuals affected with FRAS1-related conditions. For these reasons, this variant has been classified as Pathogenic.

Literature cited by the submitters: PubMed 12766769; PubMed 18671281.

NM_025074.7(FRAS1):c.5541del (p.Arg1849fs)

Gene: FRAS1 (Fraser extracellular matrix complex subunit 1; plus strand). Cytogenetic location: 4q21.21.
Variant type: Deletion.
Coding change: c.5541del on transcript NM_025074.7 (MANE Select); coding-DNA position 5541, one base deleted (A; older notation c.5541delA).
Protein change: p.Arg1849fs; shifts the reading frame from arginine 1849.
Molecular consequence: frameshift variant.
Genome position (GRCh38, 1-based): chr4:78,441,173, A deleted. VCF-style (leftmost placement, unchanged base first): chr4-78441172-GA-G. GRCh37 (hg19) VCF-style: chr4-79362326-GA-G.
Other names: c.5541del, p.Arg1849fs (NM_001166133.2); short protein forms R1849fs.
Identifiers: ClinVar variation 2837334 (VCV002837334.3), dbSNP rs1010431551, ClinGen allele CA99968819.